The following is an entry in ClinVar:

ClinVar aggregate classification (germline): Likely benign. Review status: criteria provided, single submitter (1 of 4 stars). 2 submissions from 2 submitters: Likely benign (1). 1 of the submissions does not count toward it. Last evaluated 2024-11-02.

Conditions:
Pyruvate carboxylase deficiency. Also called: ATAXIA WITH LACTIC ACIDOSIS II; Pyruvate Carboxylase Deficiency Disease; LEIGH NECROTIZING ENCEPHALOPATHY DUE TO PYRUVATE CARBOXYLASE DEFICIENCY; LEIGH SYNDROME DUE TO PYRUVATE CARBOXYLASE DEFICIENCY; PC DEFICIENCY. Identifiers: Orphanet 3008, MedGen C0034341, MONDO:0009949, OMIM 266150.
PC-related disorder. Also called: PC-related condition.

Allele frequency attached by ClinVar (database versions not stated): ExAC 0.00002; gnomAD exomes 0.00003; gnomAD 0.00006; TOPMed 0.00006.

Submissions (2):

Labcorp Genetics (formerly Invitae), Labcorp
Classification: Likely benign for Pyruvate carboxylase deficiency. Last evaluated: 2024-11-02. Review status: criteria provided, single submitter. Criteria: Invitae Variant Classification Sherloc (09022015). Collection method: clinical testing. Allele origin: germline.

PreventionGenetics, part of Exact Sciences
Classification: Likely benign for PC-related condition. Last evaluated: 2019-03-27. Review status: no assertion criteria provided. Collection method: clinical testing. Allele origin: germline. Not counted in ClinVar's aggregate classification.
Comment: This variant is classified as likely benign based on ACMG/AMP sequence variant interpretation guidelines (Richards et al. 2015 PMID: 25741868, with internal and published modifications).

NM_001040716.2(PC):c.3513C>T (p.Asp1171=)

Gene: PC (pyruvate carboxylase; minus strand). Cytogenetic location: 11q13.2.
Variant type: single nucleotide variant.
Coding change: c.3513C>T on transcript NM_001040716.2 (MANE Select); coding-DNA position 3513, C replaced by T.
Protein change: p.Asp1171=; no amino-acid change (aspartic acid 1171 retained).
Molecular consequence: synonymous variant.
Genome position (GRCh38, 1-based): chr11:66,848,923, G>A on the plus strand (C>T on the coding strand, the complement: PC is on the minus strand). VCF-style: chr11-66848923-G-A. GRCh37 (hg19) VCF-style: chr11-66616394-G-A.
Other names: c.3513C>T, p.Asp1171= (NM_000920.4, NM_022172.3); c.3513C>T (NM_001040716.1).
Identifiers: ClinVar variation 755167 (VCV000755167.11), dbSNP rs763623526, ClinGen allele CA6130770.